The following is an entry in ClinVar:

NM_001365951.3(KIF1B):c.4532T>C (p.Phe1511Ser)

Gene: KIF1B (kinesin family member 1B; plus strand). Cytogenetic location: 1p36.22.
Variant type: single nucleotide variant.
Coding change: c.4532T>C on transcript NM_001365951.3 (MANE Select); coding-DNA position 4532, T replaced by C.
Protein change: p.Phe1511Ser; replaces phenylalanine 1511 with serine.
Molecular consequence: missense variant.
Genome position (GRCh38, 1-based): chr1:10,365,428, T>C. VCF-style: chr1-10365428-T-C. GRCh37 (hg19) VCF-style: chr1-10425486-T-C.
Other names: c.4532T>C, p.Phe1511Ser (NM_001365952.1); c.4394T>C, p.Phe1465Ser (NM_015074.3); short protein forms F1511S, F1465S.
Identifiers: ClinVar variation 3534095 (VCV003534095.1).

ClinVar aggregate classification (germline): Uncertain significance (1 of 4 stars; one submission).

Submission:

Ambry Genetics
Classification: Uncertain significance. Last evaluated: 2024-11-28. Review status: criteria provided, single submitter. Criteria: Ambry Variant Classification Scheme 2023. Collection method: clinical testing. Allele origin: germline.
Comment: The p.F1465S variant (also known as c.4394T>C), located in coding exon 40 of the KIF1B gene, results from a T to C substitution at nucleotide position 4394. The phenylalanine at codon 1465 is replaced by serine, an amino acid with highly dissimilar properties. This amino acid position is conserved. In addition, the in silico prediction for this alteration is inconclusive. Based on the available evidence, the clinical significance of this variant remains unclear.